The following is an entry in ClinVar:

NM_004174.4(SLC9A3):c.1831G>A (p.Ala611Thr)

Genes: SLC9A3 (solute carrier family 9 member A3), SLC9A3-AS1 (SLC9A3 antisense RNA 1; plus strand). Cytogenetic location: 5p15.33.
Variant type: single nucleotide variant.
Coding change: c.1831G>A on transcript NM_004174.4 (MANE Select); coding-DNA position 1831, G replaced by A.
Protein change: p.Ala611Thr; replaces alanine 611 with threonine.
Molecular consequence: missense variant.
Genome position (GRCh38, 1-based): chr5:476,602, C>T on the plus strand (G>A on the coding strand, the complement: SLC9A3 is on the minus strand). VCF-style: chr5-476602-C-T. GRCh37 (hg19) VCF-style: chr5-476717-C-T.
Other names: c.1804G>A, p.Ala602Thr (NM_001284351.3); short protein forms A602T, A611T.
Identifiers: ClinVar variation 3709683 (VCV003709683.2).

ClinVar aggregate classification (germline): Uncertain significance (1 of 4 stars; one submission).

gnomAD v4.1: 48 of 1,610,686 alleles (0.003%); highest among the groups gnomAD compares: Middle Eastern, 0.017%; no homozygotes.

Submission:

Labcorp Genetics (formerly Invitae), Labcorp
Classification: Uncertain significance. Last evaluated: 2024-03-15. Review status: criteria provided, single submitter. Criteria: Invitae Variant Classification Sherloc (09022015). Collection method: clinical testing. Allele origin: germline.
Comment: This sequence change replaces alanine, which is neutral and non-polar, with threonine, which is neutral and polar, at codon 611 of the SLC9A3 protein (p.Ala611Thr). This variant is present in population databases (rs757300487, gnomAD 0.003%). This variant has not been reported in the literature in individuals affected with SLC9A3-related conditions. Advanced modeling of protein sequence and biophysical properties (such as structural, functional, and spatial information, amino acid conservation, physicochemical variation, residue mobility, and thermodynamic stability) performed at Invitae indicates that this missense variant is not expected to disrupt SLC9A3 protein function with a negative predictive value of 80%. In summary, the available evidence is currently insufficient to determine the role of this variant in disease. Therefore, it has been classified as a Variant of Uncertain Significance.